The following is an entry in ClinVar:

ClinVar aggregate classification (germline): Conflicting classifications of pathogenicity. Review status: criteria provided, conflicting classifications (1 of 4 stars). 3 submissions from 3 submitters: Uncertain significance (1); Likely benign (1). 1 of the submissions does not count toward it. Last evaluated 2025-08-14.

Conditions:
Glycine encephalopathy. Also called: Nonketotic hyperglycinemia; Non-ketotic hyperglycinemia. Identifiers: Orphanet 407, MedGen C0751748, MONDO:0011612, HP:0008288.
Inborn genetic diseases. Identifiers: MedGen C0950123, MeSH D030342.

Allele frequency attached by ClinVar (database versions not stated): gnomAD exomes 0.00001 and 0.00002; ExAC 0.00003; gnomAD 0.00003 and 0.00004; TOPMed 0.00005; ESP Exome Variant Server 0.00008.

Submissions (3):

Ambry Genetics
Classification: Likely benign for Inborn genetic diseases. Last evaluated: 2025-08-14. Review status: criteria provided, single submitter. Criteria: Ambry Variant Classification Scheme 2023. Collection method: clinical testing. Allele origin: germline.

Labcorp Genetics (formerly Invitae), Labcorp
Classification: Uncertain significance for Glycine encephalopathy. Last evaluated: 2022-06-15. Review status: criteria provided, single submitter. Criteria: Invitae Variant Classification Sherloc (09022015). Collection method: clinical testing. Allele origin: germline.
Comment: This sequence change replaces arginine, which is basic and polar, with lysine, which is basic and polar, at codon 315 of the AMT protein (p.Arg315Lys). This variant is present in population databases (rs376366324, gnomAD 0.03%). This variant has not been reported in the literature in individuals affected with AMT-related conditions. ClinVar contains an entry for this variant (Variation ID: 946320). Advanced modeling of protein sequence and biophysical properties (such as structural, functional, and spatial information, amino acid conservation, physicochemical variation, residue mobility, and thermodynamic stability) performed at Invitae indicates that this missense variant is not expected to disrupt AMT protein function. In summary, the available evidence is currently insufficient to determine the role of this variant in disease. Therefore, it has been classified as a Variant of Uncertain Significance.

Natera, Inc.
Classification: Uncertain significance for Non-ketotic hyperglycinemia. Last evaluated: 2020-08-04. Review status: no assertion criteria provided. Collection method: clinical testing. Allele origin: germline. Not counted in ClinVar's aggregate classification.

NM_000481.4(AMT):c.944G>A (p.Arg315Lys)

Gene: AMT (aminomethyltransferase; minus strand). Cytogenetic location: 3p21.31.
Variant type: single nucleotide variant.
Coding change: c.944G>A on transcript NM_000481.4 (MANE Select); coding-DNA position 944, G replaced by A.
Protein change: p.Arg315Lys; replaces arginine 315 with lysine.
Molecular consequence: missense variant. On other transcripts: non-coding transcript variant (1).
Genome position (GRCh38, 1-based): chr3:49,417,907, C>T on the plus strand (G>A on the coding strand, the complement: AMT is on the minus strand). VCF-style: chr3-49417907-C-T. GRCh37 (hg19) VCF-style: chr3-49455340-C-T.
Other names: c.812G>A, p.Arg271Lys (NM_001164710.2); c.776G>A, p.Arg259Lys (NM_001164711.2); c.944G>A, p.Arg315Lys (NM_001164712.2); short protein forms R259K, R315K, R271K.
Identifiers: ClinVar variation 946320 (VCV000946320.7), dbSNP rs376366324, ClinGen allele CA2398198.
Genomic context (GRCh38, chr3:49,417,907, plus strand): 5'-GGACTGTGTGCCCGCATGGGGGCCCCCTCACACATCAACCCCACACGCCTCCGCTGCACC[C>T]TGCCCTTCAGCTGGGGAACAATGACCTTGGCTCCAGGGAAGTCCATAGCAGCTCGGCGGC-3'
Protein context (NP_000472.2, residues 305-325): AKVIVPQLKG[Arg315Lys]VQRRRVGLMC